The following is an entry in ClinVar:

ClinVar aggregate classification (germline): Likely benign. Review status: criteria provided, single submitter (1 of 4 stars). 2 submissions from 2 submitters: Likely benign (1). 1 of the submissions does not count toward it. Last evaluated 2023-05-20.

Conditions:
ATP8B1-related disorder. Also called: ATP8B1-related disorders; ATP8B1-related condition.

Allele frequency attached by ClinVar (database versions not stated): gnomAD exomes below 0.00001; ExAC 0.00001.
gnomAD v4.1: 3 of 1,613,000 alleles (0.00019%); highest among the groups gnomAD compares: East Asian, 0.0022%; no homozygotes.

Submissions (2):

Labcorp Genetics (formerly Invitae), Labcorp
Classification: Likely benign. Last evaluated: 2023-05-20. Review status: criteria provided, single submitter. Criteria: Invitae Variant Classification Sherloc (09022015). Collection method: clinical testing. Allele origin: germline.

PreventionGenetics, part of Exact Sciences
Classification: Likely benign for ATP8B1-related condition. Last evaluated: 2024-04-17. Review status: no assertion criteria provided. Collection method: clinical testing. Allele origin: germline. Not counted in ClinVar's aggregate classification.
Comment: This variant is classified as likely benign based on ACMG/AMP sequence variant interpretation guidelines (Richards et al. 2015 PMID: 25741868, with internal and published modifications).

NM_001374385.1(ATP8B1):c.837A>G (p.Leu279=)

Gene: ATP8B1 (ATPase phospholipid transporting 8B1; minus strand). Cytogenetic location: 18q21.31.
Variant type: single nucleotide variant.
Coding change: c.837A>G on transcript NM_001374385.1 (MANE Select); coding-DNA position 837, A replaced by G.
Protein change: p.Leu279=; no amino-acid change (leucine 279 retained).
Molecular consequence: synonymous variant.
Genome position (GRCh38, 1-based): chr18:57,695,274, T>C on the plus strand (A>G on the coding strand, the complement: ATP8B1 is on the minus strand). VCF-style: chr18-57695274-T-C. GRCh37 (hg19) VCF-style: chr18-55362506-T-C.
Other names: c.837A>G (NM_005603.4); c.687A>G, p.Leu229= (NM_001374386.1); c.837A>G, p.Leu279= (NM_005603.6).
Identifiers: ClinVar variation 3010566 (VCV003010566.4), dbSNP rs779002702, ClinGen allele CA8974713.